The following is an entry in ClinVar:

NM_020964.2(EPG5):c.[2461C>T;3582G>A]

Variant type: Haplotype.
Identifiers: ClinVar variation 267446 (VCV000267446.4).

ClinVar aggregate classification (germline): Pathogenic (0 of 4 stars; one submission).

Conditions:
Vici syndrome (VICIS). Identifiers: Orphanet 1493, MedGen C1855772, MONDO:0009452, OMIM 242840.

Submission:

Department Of Pediatrics And Neonatology, Nagoya City University Graduate School Of Medical Sciences
Classification: Pathogenic for Vici syndrome. Last evaluated: 2016-08-11. Review status: no assertion criteria provided. Collection method: research. Allele origin: germline. Affected: yes. Observed: 1 variant allele.
Comment: This mutation was confirmed compound geterozygosity.

The mutation was identified with whole-exome sequencing (WES) using Agilent SureSelect V5 probes and Illumina HiSeq 2000 Sequencer.The splicing mutation was confermed by RT-PCR.

Literature cited by the submitters: PubMed 28615637; PubMed 3344762; PubMed 21965116.